The following is an entry in ClinVar:

NM_001267550.2(TTN):c.4933del (p.Lys1644_Val1645insTer)

Genes: TTN (titin; minus strand), LOC101927055 (uncharacterized LOC101927055; plus strand). Cytogenetic location: 2q31.2.
Variant type: Deletion.
Coding change: c.4933del on transcript NM_001267550.2 (MANE Select); coding-DNA position 4933, one base deleted (G; older notation c.4933delG).
Protein change: p.Lys1644_Val1645insTer.
Molecular consequence: nonsense. On other transcripts: non-coding transcript variant (1).
Genome position (GRCh38, 1-based): chr2:178,776,931, C deleted on the plus strand (G on the coding strand, the reverse complement: TTN is on the minus strand). VCF-style (leftmost placement, unchanged base first): chr2-178776930-AC-A. GRCh37 (hg19) VCF-style: chr2-179641657-AC-A.
Other names: c.4933del, p.Lys1644_Val1645insTer (NM_001256850.1, NM_133378.4, NM_133379.5); c.4795del, p.Lys1598_Val1599insTer (NM_003319.4, NM_133432.3, NM_133437.4).
Identifiers: ClinVar variation 4784731 (VCV004784731.1).

ClinVar aggregate classification (germline): Likely pathogenic (1 of 4 stars; one submission).

Conditions:
Autosomal recessive limb-girdle muscular dystrophy type 2J (LGMDR10). Also called: Limb-girdle muscular dystrophy, type 2J; MUSCULAR DYSTROPHY, LIMB-GIRDLE, AUTOSOMAL RECESSIVE 10. Identifiers: Orphanet 140922, MedGen C1837342, MONDO:0012127, OMIM 608807.
Dilated cardiomyopathy 1G (CMD1G). Identifiers: Orphanet 154, MedGen C1858763, MONDO:0011400, OMIM 604145.

Submission:

Labcorp Genetics (formerly Invitae), Labcorp
Classification: Likely pathogenic for Dilated cardiomyopathy 1G; Autosomal recessive limb-girdle muscular dystrophy type 2J. Last evaluated: 2025-06-10. Review status: criteria provided, single submitter. Criteria: Invitae Variant Classification Sherloc (09022015). Collection method: clinical testing. Allele origin: germline.
Comment: While this is not anticipated to result in nonsense mediated decay, it is expected to create a truncated TTN protein. While this is not anticipated to result in nonsense mediated decay, it is expected to disrupt the last 34347 amino acid(s) of the TTN protein. This variant is not present in population databases (gnomAD no frequency). This variant has not been reported in the literature in individuals affected with TTN-related conditions. This variant is located in the Z band of TTN (PMID: 25589632). Truncating variants in this region have been reported in individuals affected with autosomal recessive centronuclear myopathy (PMID: 33449170, internal data). Truncating variants in this region have also been identified in individuals affected with autosomal dominant dilated cardiomyopathy and/or cardio-related conditions (PMID: 27869827, 32964742, internal data). In summary, the currently available evidence indicates that the variant is pathogenic, but additional data are needed to prove that conclusively. Therefore, this variant has been classified as Likely Pathogenic.

Literature cited by the submitters: PubMed 25589632; PubMed 33449170; PubMed 27869827; PubMed 32964742.